The following is an entry in ClinVar:

NM_000039.3(APOA1):c.265G>A (p.Gly89Ser)

Genes: APOA1 (apolipoprotein A1; minus strand), APOA1-AS (APOA1 antisense RNA; plus strand). Cytogenetic location: 11q23.3.
Variant type: single nucleotide variant.
Coding change: c.265G>A on transcript NM_000039.3 (MANE Select); coding-DNA position 265, G replaced by A.
Protein change: p.Gly89Ser; replaces glycine 89 with serine.
Molecular consequence: missense variant.
Genome position (GRCh38, 1-based): chr11:116,836,347, C>T on the plus strand (G>A on the coding strand, the complement: APOA1 is on the minus strand). VCF-style: chr11-116836347-C-T. GRCh37 (hg19) VCF-style: chr11-116707063-C-T.
Other names: c.265G>A, p.Gly89Ser (NM_001318017.2, NM_001318018.2); c.-63G>A (NM_001318021.2); short protein forms G89S.
Identifiers: ClinVar variation 1794433 (VCV001794433.2), dbSNP rs867150319, ClinGen allele CA229324514.

ClinVar aggregate classification (germline): Uncertain significance (1 of 4 stars; one submission).

Conditions:
Cardiovascular phenotype. Identifiers: MedGen CN230736.

Allele frequency attached by ClinVar (database versions not stated): gnomAD exomes below 0.00001.

Submission:

Ambry Genetics
Classification: Uncertain significance for Cardiovascular phenotype. Last evaluated: 2022-10-23. Review status: criteria provided, single submitter. Criteria: Ambry Variant Classification Scheme 2023. Collection method: clinical testing. Allele origin: germline.
Comment: The p.G89S variant (also known as c.265G>A), located in coding exon 3 of the APOA1 gene, results from a G to A substitution at nucleotide position 265. The glycine at codon 89 is replaced by serine, an amino acid with similar properties. This amino acid position is conserved. In addition, this alteration is predicted to be tolerated by in silico analysis. Since supporting evidence is limited at this time, the clinical significance of this alteration remains unclear.